The following is an entry in ClinVar:

ClinVar aggregate classification (germline): Uncertain significance (1 of 4 stars; one submission).

Conditions:
Familial hemophagocytic lymphohistiocytosis 3 (FHL3). Also called: UNC13D-Related Familial Hemophagocytic Lymphohistiocytosis (UNC13D-fHLH). Identifiers: Orphanet 540, MedGen C1837174, MONDO:0012146, OMIM 608898.

Allele frequency attached by ClinVar (database versions not stated): TOPMed 0.00004; ESP Exome Variant Server 0.00008; ExAC 0.00018.

Submission:

Labcorp Genetics (formerly Invitae), Labcorp
Classification: Uncertain significance for Familial hemophagocytic lymphohistiocytosis 3. Last evaluated: 2022-08-10. Review status: criteria provided, single submitter. Criteria: Invitae Variant Classification Sherloc (09022015). Collection method: clinical testing. Allele origin: germline.
Comment: This sequence change replaces arginine, which is basic and polar, with serine, which is neutral and polar, at codon 433 of the UNC13D protein (p.Arg433Ser). This variant is present in population databases (rs372314255, gnomAD 0.02%). This variant has not been reported in the literature in individuals affected with UNC13D-related conditions. ClinVar contains an entry for this variant (Variation ID: 958744). Algorithms developed to predict the effect of missense changes on protein structure and function are either unavailable or do not agree on the potential impact of this missense change (SIFT: "Not Available"; PolyPhen-2: "Probably Damaging"; Align-GVGD: "Not Available"). In summary, the available evidence is currently insufficient to determine the role of this variant in disease. Therefore, it has been classified as a Variant of Uncertain Significance.

NM_199242.3(UNC13D):c.1299G>C (p.Arg433Ser)

Gene: UNC13D (unc-13 homolog D; minus strand). Cytogenetic location: 17q25.1.
Variant type: single nucleotide variant.
Coding change: c.1299G>C on transcript NM_199242.3 (MANE Select); coding-DNA position 1299, G replaced by C.
Protein change: p.Arg433Ser; replaces arginine 433 with serine.
Molecular consequence: missense variant.
Genome position (GRCh38, 1-based): chr17:75,836,429, C>G on the plus strand (G>C on the coding strand, the complement: UNC13D is on the minus strand). VCF-style: chr17-75836429-C-G. GRCh37 (hg19) VCF-style: chr17-73832510-C-G.
Other names: short protein forms R433S.
Identifiers: ClinVar variation 958744 (VCV000958744.5), dbSNP rs372314255, ClinGen allele CA8773026.